The following is an entry in ClinVar:

ClinVar aggregate classification (germline): Uncertain significance (1 of 4 stars; one submission).

Submission:

Labcorp Genetics (formerly Invitae), Labcorp
Classification: Uncertain significance. Last evaluated: 2021-08-11. Review status: criteria provided, single submitter. Criteria: Invitae Variant Classification Sherloc (09022015). Collection method: clinical testing. Allele origin: germline.
Comment: This sequence change replaces glycine with alanine at codon 1273 of the NBAS protein (p.Gly1273Ala). The glycine residue is highly conserved and there is a small physicochemical difference between glycine and alanine. This variant is not present in population databases (ExAC no frequency). This variant has not been reported in the literature in individuals affected with NBAS-related conditions. Algorithms developed to predict the effect of missense changes on protein structure and function are either unavailable or do not agree on the potential impact of this missense change (SIFT: "Deleterious"; PolyPhen-2: "Benign"; Align-GVGD: "Class C55"). In summary, the available evidence is currently insufficient to determine the role of this variant in disease. Therefore, it has been classified as a Variant of Uncertain Significance.

NM_015909.4(NBAS):c.3818G>C (p.Gly1273Ala)

Gene: NBAS (NBAS subunit of NRZ tethering complex; minus strand). Cytogenetic location: 2p24.3.
Variant type: single nucleotide variant.
Coding change: c.3818G>C on transcript NM_015909.4 (MANE Select); coding-DNA position 3818, G replaced by C.
Protein change: p.Gly1273Ala; replaces glycine 1273 with alanine.
Molecular consequence: missense variant. On other transcripts: non-coding transcript variant (1).
Genome position (GRCh38, 1-based): chr2:15,356,416, C>G on the plus strand (G>C on the coding strand, the complement: NBAS is on the minus strand). VCF-style: chr2-15356416-C-G. GRCh37 (hg19) VCF-style: chr2-15496540-C-G.
Other names: short protein forms G1273A.
Identifiers: ClinVar variation 1432558 (VCV001432558.6), dbSNP rs1343440024, ClinGen allele CA345892440.